The following is an entry in ClinVar:

ClinVar aggregate classification (germline): not provided (0 of 4 stars; one submission).

Conditions:
Familial long QT syndrome (RWS). Also called: Congenital long QT syndrome; Romano-Ward syndrome; VENTRICULAR FIBRILLATION WITH PROLONGED QT INTERVAL. Identifiers: Orphanet 768, MedGen C1141890, MONDO:0019171.

Submission:

Cardiovascular Biomedical Research Unit, Royal Brompton & Harefield NHS Foundation Trust
No classification provided. Condition: Familial long QT syndrome. Review status: no classification provided. Collection method: literature only. Allele origin: germline.
Comment: This variant has been reported as associated with Long QT syndrome in the following publications (PMID:16414944). This is a literature report, and does not necessarily reflect the clinical interpretation of the Imperial College / Royal Brompton Cardiovascular Genetics laboratory.

Literature cited by the submitters: PubMed 16414944; PubMed 22581653.

NM_000238.4(KCNH2):c.146G>A (p.Cys49Tyr)

Gene: KCNH2 (potassium voltage-gated channel subfamily H member 2; minus strand). Cytogenetic location: 7q36.1.
Variant type: single nucleotide variant.
Coding change: c.146G>A on transcript NM_000238.4 (MANE Select); coding-DNA position 146, G replaced by A.
Protein change: p.Cys49Tyr; replaces cysteine 49 with tyrosine.
Molecular consequence: missense variant.
Genome position (GRCh38, 1-based): chr7:150,974,872, C>T on the plus strand (G>A on the coding strand, the complement: KCNH2 is on the minus strand). VCF-style: chr7-150974872-C-T. GRCh37 (hg19) VCF-style: chr7-150671960-C-T.
Other names: c.146G>A (LRG_288t1); c.-32G>A (NM_001406755.1); c.146G>A, p.Cys49Tyr (NM_172056.3); short protein forms C49Y.
Identifiers: ClinVar variation 67203 (VCV000067203.3), dbSNP rs199472840, ClinGen allele CA004664.